The following is an entry in ClinVar:

NM_001164508.2(NEB):c.8770del (p.Ala2924fs)

Gene: NEB (nebulin; minus strand). Cytogenetic location: 2q23.3.
Variant type: Deletion.
Coding change: c.8770del on transcript NM_001164508.2 (MANE Select); coding-DNA position 8770, one base deleted (G; older notation c.8770delG).
Protein change: p.Ala2924fs; shifts the reading frame from alanine 2924.
Molecular consequence: frameshift variant.
Genome position (GRCh38, 1-based): chr2:151,639,976, C deleted on the plus strand (G on the coding strand, the reverse complement: NEB is on the minus strand); the first of 3 consecutive C bases (chr2:151,639,976-151,639,978); deleting any one gives the same sequence. VCF-style (leftmost placement, unchanged base first): chr2-151639975-GC-G. GRCh37 (hg19) VCF-style: chr2-152496489-GC-G.
Other names: c.8770del, p.Ala2924fs (NM_001164507.2, NM_001271208.2, NM_004543.5); c.8768delG, p.Ala2924Glnfs (NM_001271208.1); short protein forms A2924fs.
Identifiers: ClinVar variation 4814794 (VCV004814794.1).

ClinVar aggregate classification (germline): Likely pathogenic (1 of 4 stars; one submission).

Conditions:
Nemaline myopathy 2 (NEM2). Also called: Nemaline myopathy 2, autosomal recessive. Identifiers: MedGen C1850569, MONDO:0009725, OMIM 256030.

Submission:

Natera, Inc.
Classification: Likely pathogenic for Nemaline myopathy type 2. Last evaluated: 2024-10-29. Review status: criteria provided, single submitter. Criteria: Natera Variant Classification Schema (03/2026). Collection method: clinical testing. Allele origin: germline.
Comment: The c.8770del variant in NEB is a frameshift variant predicted to shift the reading frame beginning at codon 2924 and leads to a stop codon 5 codons downstream. This variant is expected to result in nonsense mediated decay, truncation, or a dysfunctional protein product. This variant is rare in the general population with a frequency below the threshold expected for the associated phenotype(s). Given the available evidence, this variant is classified as Likely Pathogenic.